The following is an entry in ClinVar:

NM_001190274.2(FBXO11):c.1434G>A (p.Arg478=)

Gene: FBXO11 (F-box protein 11; minus strand). Cytogenetic location: 2p16.3.
Variant type: single nucleotide variant.
Coding change: c.1434G>A on transcript NM_001190274.2 (MANE Select); coding-DNA position 1434, G replaced by A.
Protein change: p.Arg478=; no amino-acid change (arginine 478 retained).
Molecular consequence: synonymous variant.
Genome position (GRCh38, 1-based): chr2:47,823,325, C>T on the plus strand (G>A on the coding strand, the complement: FBXO11 is on the minus strand). VCF-style: chr2-47823325-C-T. GRCh37 (hg19) VCF-style: chr2-48050464-C-T.
Other names: c.1182G>A, p.Arg394= (NM_001374325.1, NM_025133.4).
Identifiers: ClinVar variation 1547108 (VCV001547108.31), dbSNP rs200669207, ClinGen allele CA1649830.

ClinVar aggregate classification (germline): Benign/Likely benign. Review status: criteria provided, multiple submitters, no conflicts (2 of 4 stars). 2 submissions from 2 submitters: Benign (1); Likely benign (1). Last evaluated 2025-07-30.

Allele frequency attached by ClinVar (database versions not stated): gnomAD exomes 0.00013 and 0.00024; gnomAD 0.00014 and 0.00015; TOPMed 0.00015; ExAC 0.00021; ESP Exome Variant Server 0.00023.
gnomAD v4.1: 216 of 1,612,828 alleles (0.013%); highest among the groups gnomAD compares: Middle Eastern, 0.066%; 2 homozygotes.

Submissions (2):

Labcorp Genetics (formerly Invitae), Labcorp
Classification: Benign. Last evaluated: 2025-07-30. Review status: criteria provided, single submitter. Criteria: Invitae Variant Classification Sherloc (09022015). Collection method: clinical testing. Allele origin: germline.

CeGaT Center for Human Genetics Tuebingen
Classification: Likely benign. Last evaluated: 2023-11-01. Review status: criteria provided, single submitter. Criteria: CeGaT Center For Human Genetics Tuebingen Variant Classification Criteria Version 2. Collection method: clinical testing. Allele origin: germline. Affected: yes. Observed: 4 variant alleles.
Comment: FBXO11: BP4, BP7